The following is an entry in ClinVar:

ClinVar aggregate classification (germline): Pathogenic/Likely pathogenic. Review status: criteria provided, multiple submitters, no conflicts (2 of 4 stars). 5 submissions from 5 submitters: Pathogenic (3); Likely pathogenic (1). 1 of the submissions does not count toward it. Last evaluated 2025-06-27.

Conditions:
Hereditary spastic paraplegia 49 (HSAN9). Also called: Spastic paraplegia 49, autosomal recessive; NEUROPATHY, HEREDITARY SENSORY AND AUTONOMIC, TYPE IX, WITH DEVELOPMENTAL DELAY; TECPR2-Related Hereditary Sensory and Autonomic Neuropathy with Intellectual Disability. Identifiers: Orphanet 320385, MedGen C5190860, MONDO:0014016, OMIM 615031.

Submissions (5):

Women's Health and Genetics/Laboratory Corporation of America, LabCorp
Classification: Pathogenic for Hereditary spastic paraplegia 49. Last evaluated: 2025-06-27. Review status: criteria provided, single submitter. Criteria: LabCorp Variant Classification Summary - May 2015. Collection method: clinical testing. Allele origin: germline.
Comment: Variant summary: TECPR2 c.774delA (p.Asp259MetfsX44) results in a premature termination codon, predicted to cause a truncation of the encoded protein or absence of the protein due to nonsense mediated decay, which are commonly known mechanisms for disease. The variant allele was found at a frequency of 8e-06 in 251490 control chromosomes. c.774delA has been observed in individual(s) affected with Developmental delay, motor coordination immaturity, strabismus and progressive central apnea (Patwari_2020). The following publication has been ascertained in the context of this evaluation (PMID: 32209221). ClinVar contains an entry for this variant (Variation ID: 450815). Based on the evidence outlined above, the variant was classified as pathogenic.

Labcorp Genetics (formerly Invitae), Labcorp
Classification: Pathogenic for Hereditary spastic paraplegia 49. Last evaluated: 2023-08-03. Review status: criteria provided, single submitter. Criteria: Invitae Variant Classification Sherloc (09022015). Collection method: clinical testing. Allele origin: germline.
Comment: For these reasons, this variant has been classified as Pathogenic. ClinVar contains an entry for this variant (Variation ID: 450815). This premature translational stop signal has been observed in individual(s) with TECPR2-related conditions (PMID: 32209221). This variant is present in population databases (rs772483312, gnomAD 0.002%). This sequence change creates a premature translational stop signal (p.Asp259Metfs*44) in the TECPR2 gene. It is expected to result in an absent or disrupted protein product. Loss-of-function variants in TECPR2 are known to be pathogenic (PMID: 23176824, 25590979).

Institute of Human Genetics, University of Leipzig Medical Center
Classification: Likely pathogenic for Hereditary spastic paraplegia 49. Last evaluated: 2020-07-11. Review status: criteria provided, single submitter. Criteria: ACMG Guidelines, 2015. Collection method: curation. Allele origin: inherited. Inheritance: Autosomal recessive inheritance. Affected: yes. Observed: 1 compound heterozygote.
Comment: This frameshift variant c.774del, p.(Asp259Metfs*44) in exon 6/20 of the TECPR2 has been previously reported in ClinVar as pathogenic (450815). In the general population the minor allele frequency is 0.000007953 (gnomAD). Biallelic truncating or missense variants have been described to cause "Spastic paraplegia 49, autosomal recessive" (Oz-Levi et al. Am J Hum Genet. 2012, PMID: 23176824). Taken together, we classify this variant as likely pathogenic based on the ACMG recommendations (Richards et al., 2015, PMID 25741868; criteria: PVS1 PM2).

GeneDx
Classification: Pathogenic. Last evaluated: 2017-07-24. Review status: criteria provided, single submitter. Criteria: GeneDx Variant Classification (06012015). Collection method: clinical testing. Allele origin: germline. Affected: yes.
Comment: The c.774delA variant in the TECPR2 gene has not been reported previously as a pathogenic variant nor as a benign variant, to our knowledge. The c.774delA variant causes a frameshift starting with codon Aspartic acid 259, changes this amino acid to a Methionine residue, and creates a premature Stop codon at position 44 of the new reading frame, denoted p.Asp259MetfsX44. This variant is predicted to cause loss of normal protein function either through protein truncation or nonsense-mediated mRNA decay. The c.774delA variant is not observed at a significant frequency in large population cohorts (Lek et al., 2016; 1000 Genomes Consortium et al., 2015; Exome Variant Server). We interpret c.774delA as a pathogenic variant.

OMIM
Classification: Pathogenic for NEUROPATHY, HEREDITARY SENSORY AND AUTONOMIC, TYPE IX, WITH DEVELOPMENTAL DELAY. Last evaluated: 2021-09-16. Review status: no assertion criteria provided. Collection method: literature only. Allele origin: germline. Not counted in ClinVar's aggregate classification.

Literature cited by the submitters: PubMed 32209221 (cited by 3 submitters); PubMed 23176824 (cited by Labcorp Genetics (formerly Invitae), Labcorp); PubMed 25590979 (cited by Labcorp Genetics (formerly Invitae), Labcorp).

NM_014844.5(TECPR2):c.774del (p.Asp259fs)

Gene: TECPR2 (tectonin beta-propeller repeat containing 2; plus strand). Cytogenetic location: 14q32.31.
Variant type: Deletion.
Coding change: c.774del on transcript NM_014844.5 (MANE Select); coding-DNA position 774, one base deleted (A; older notation c.774delA).
Protein change: p.Asp259fs; shifts the reading frame from aspartic acid 259.
Molecular consequence: frameshift variant.
Genome position (GRCh38, 1-based): chr14:102,425,114, A deleted; the last of 4 consecutive A bases (chr14:102,425,111-102,425,114); deleting any one gives the same sequence. VCF-style (leftmost placement, unchanged base first): chr14-102425110-TA-T. GRCh37 (hg19) VCF-style: chr14-102891447-TA-T.
Other names: c.774delA (NM_014844.5, NM_001172631.3); c.774del, p.Asp259fs (NM_001172631.3); short protein forms D259fs.
Identifiers: ClinVar variation 450815 (VCV000450815.11), dbSNP rs772483312, ClinGen allele CA7357523.